The following is an entry in ClinVar:

ClinVar aggregate classification (germline): Uncertain significance (1 of 4 stars; one submission).

Submission:

GeneDx
Classification: Uncertain significance. Last evaluated: 2018-05-23. Review status: criteria provided, single submitter. Criteria: GeneDx Variant Classification (06012015). Collection method: clinical testing. Allele origin: germline. Affected: yes.
Comment: A variant of uncertain significance has been identified in the SLC25A22 gene. The Q43R variant has not been published as a pathogenic variant, nor has it been reported as a benign variant to our knowledge. The Q43R variant is not observed in large population cohorts (Lek et al., 2016). The Q43R variant is a semi-conservative amino acid substitution, which may impact secondary protein structure as these residues differ in some properties. However, in-silico analyses, including protein predictors and evolutionary conservation, support that this variant does not alter protein structure/function. Therefore, based on the currently available information, it is unclear whether this variant is a pathogenic variant or a rare benign variant.

NM_001191061.2(SLC25A22):c.128A>G (p.Gln43Arg)

Gene: SLC25A22 (solute carrier family 25 member 22; minus strand). Cytogenetic location: 11p15.5.
Variant type: single nucleotide variant.
Coding change: c.128A>G on transcript NM_001191061.2 (MANE Select); coding-DNA position 128, A replaced by G.
Protein change: p.Gln43Arg; replaces glutamine 43 with arginine.
Molecular consequence: missense variant.
Genome position (GRCh38, 1-based): chr11:794,794, T>C on the plus strand (A>G on the coding strand, the complement: SLC25A22 is on the minus strand). VCF-style: chr11-794794-T-C. GRCh37 (hg19) VCF-style: chr11-794794-T-C.
Other names: c.128A>G, p.Gln43Arg (NM_001191060.2, NM_024698.6); short protein forms Q43R.
Identifiers: ClinVar variation 546485 (VCV000546485.2), dbSNP rs1554966124, ClinGen allele CA378921877.